The following is an entry in ClinVar:

NM_004612.4(TGFBR1):c.933C>T (p.Ser311=)

Gene: TGFBR1 (transforming growth factor beta receptor 1; plus strand). Cytogenetic location: 9q22.33.
Variant type: single nucleotide variant.
Coding change: c.933C>T on transcript NM_004612.4 (MANE Select); coding-DNA position 933, C replaced by T.
Protein change: p.Ser311=; no amino-acid change (serine 311 retained).
Molecular consequence: synonymous variant.
Genome position (GRCh38, 1-based): chr9:99,142,663, C>T. VCF-style: chr9-99142663-C-T. GRCh37 (hg19) VCF-style: chr9-101904945-C-T.
Other names: c.933C>T (NM_004612.3); c.702C>T, p.Ser234= (NM_001130916.3); c.945C>T, p.Ser315= (NM_001306210.2).
Identifiers: ClinVar variation 626774 (VCV000626774.23), dbSNP rs200912890, ClinGen allele CA043430.

ClinVar aggregate classification (germline): Likely benign. Review status: criteria provided, multiple submitters, no conflicts (2 of 4 stars). 7 submissions from 7 submitters: Likely benign (7). Last evaluated 2026-01-11.

Conditions:
Loeys-Dietz syndrome (LDS). Identifiers: Orphanet 60030, MedGen C2697932, MONDO:0018954.
Familial thoracic aortic aneurysm and aortic dissection (TAAD). Also called: Thoracic aortic aneurysms and dissections. Identifiers: Orphanet 91387, MedGen C4707243, MONDO:0019625.
TGFBR1-related disorder. Also called: TGFBR1-related condition.

Allele frequency attached by ClinVar (database versions not stated): ExAC 0.00001; gnomAD exomes 0.00002 and 0.00004; TOPMed 0.00002; gnomAD 0.00003.
gnomAD v4.1: 62 of 1,613,938 alleles (0.0038%); highest among the groups gnomAD compares: Middle Eastern, 0.016%; no homozygotes.

Submissions (7):

Labcorp Genetics (formerly Invitae), Labcorp
Classification: Likely benign for Familial thoracic aortic aneurysm and aortic dissection. Last evaluated: 2026-01-11. Review status: criteria provided, single submitter. Criteria: Invitae Variant Classification Sherloc (09022015). Collection method: clinical testing. Allele origin: germline.

CeGaT Center for Human Genetics Tuebingen
Classification: Likely benign. Last evaluated: 2025-03-01. Review status: criteria provided, single submitter. Criteria: CeGaT Center For Human Genetics Tuebingen Variant Classification Criteria Version 2. Collection method: clinical testing. Allele origin: germline. Affected: yes. Observed: 2 variant alleles.
Comment: TGFBR1: BP4, BP7

PreventionGenetics, part of Exact Sciences
Classification: Likely benign for TGFBR1-related condition. Last evaluated: 2024-11-04. Review status: criteria provided, single submitter. Criteria: ACMG Guidelines, 2015. Collection method: clinical testing. Allele origin: germline.
Comment: This variant is classified as likely benign based on ACMG/AMP sequence variant interpretation guidelines (Richards et al. 2015 PMID: 25741868, with internal and published modifications).

All of Us Research Program, National Institutes of Health
Classification: Likely benign for Loeys-Dietz syndrome. Last evaluated: 2023-10-30. Review status: criteria provided, single submitter. Criteria: ACMG Guidelines, 2015. Collection method: clinical testing. Allele origin: germline. Inheritance: Autosomal dominant inheritance. Observed: 1 variant allele, 1 heterozygote.
Comment: This study involves interpretation of variants in research participants for the purpose of population health screening. Participant phenotype was not available at the time of variant classification. Additional details can be found in publication PMID: 35346344, PMCID: PMC8962531

Color Diagnostics, LLC DBA Color Health
Classification: Likely benign for Familial thoracic aortic aneurysm and aortic dissection. Last evaluated: 2020-03-16. Review status: criteria provided, single submitter. Criteria: ACMG Guidelines, 2015. Collection method: clinical testing. Allele origin: germline.

Ambry Genetics
Classification: Likely benign for Familial thoracic aortic aneurysm and aortic dissection. Last evaluated: 2020-02-19. Review status: criteria provided, single submitter. Criteria: Ambry Variant Classification Scheme 2023. Collection method: clinical testing. Allele origin: germline.

CHEO Genetics Diagnostic Laboratory, Children's Hospital of Eastern Ontario
Classification: Likely benign for Familial thoracic aortic aneurysm and aortic dissection. Last evaluated: 2017-02-15. Review status: criteria provided, single submitter. Criteria: ACMG Guidelines, 2015. Collection method: clinical testing. Allele origin: germline. Study: Canadian Open Genetics Repository.